The following is an entry in ClinVar:

NM_005902.4(SMAD3):c.*2547C>T

Gene: SMAD3 (SMAD family member 3; plus strand). Cytogenetic location: 15q22.33.
Variant type: single nucleotide variant.
Coding change: c.*2547C>T on transcript NM_005902.4 (MANE Select); 2547 bases downstream of the stop codon, C replaced by T.
Molecular consequence: 3 prime UTR variant.
Genome position (GRCh38, 1-based): chr15:67,193,083, C>T. VCF-style: chr15-67193083-C-T. GRCh37 (hg19) VCF-style: chr15-67485421-C-T.
Other names: c.*2547C>T (NM_001145102.2, NM_001145103.2, NM_001145104.2).
Identifiers: ClinVar variation 316942 (VCV000316942.34), dbSNP rs72661161, ClinGen allele CA10646530.
Genomic context (GRCh38, chr15:67,193,083, plus strand): 5'-ACCTAAGAGGTTAGGAAATGGTGCCATTCCCACCTTAGAGTGCTACATAGGTGCTTTGGG[C>T]GTATGTAACATTAGTGTCCTTCCTTGAAGCCACAAGCTAGTTTTCTTAGTTTTAAAATCC-3'

ClinVar aggregate classification (germline): Conflicting classifications of pathogenicity. Review status: criteria provided, conflicting classifications (1 of 4 stars). 2 submissions from 2 submitters: Uncertain significance (1); Likely benign (1). Last evaluated 2024-03-01.

Conditions:
Aneurysm-osteoarthritis syndrome. Also called: ANEURYSMS-OSTEOARTHRITIS SYNDROME; SMAD3-Related Loeys-Dietz Syndrome; LOEYS-DIETZ SYNDROME WITH OSTEOARTHRITIS; Loeys-Dietz syndrome, type 1C. Identifiers: Orphanet 284984, MedGen C3151087, MONDO:0013426, OMIM 613795.

Allele frequency attached by ClinVar (database versions not stated): 1000 Genomes Project 30x 0.00031; 1000 Genomes Project 0.00040; gnomAD 0.00096; TOPMed 0.00151.
gnomAD v4.1: 331 of 233,138 alleles (0.14%); highest among the groups gnomAD compares: Admixed American, 0.27%; no homozygotes.

Submissions (2):

CeGaT Center for Human Genetics Tuebingen
Classification: Likely benign. Last evaluated: 2024-03-01. Review status: criteria provided, single submitter. Criteria: CeGaT Center For Human Genetics Tuebingen Variant Classification Criteria Version 2. Collection method: clinical testing. Allele origin: germline. Affected: yes. Observed: 7 variant alleles.
Comment: SMAD3: BS1

Illumina Laboratory Services, Illumina
Classification: Uncertain significance for Aneurysm-osteoarthritis syndrome. Last evaluated: 2018-01-12. Review status: criteria provided, single submitter. Criteria: ICSL Variant Classification Criteria 13 December 2019. Collection method: clinical testing. Allele origin: germline.